The following is an entry in ClinVar:

NM_007294.4(BRCA1):c.1174_1176delinsTT (p.Leu392fs)

Gene: BRCA1 (BRCA1 DNA repair associated; minus strand). Cytogenetic location: 17q21.31.
Variant type: Indel.
Coding change: c.1174_1176delinsTT on transcript NM_007294.4 (MANE Select); coding-DNA positions 1174 to 1176, CTG replaced by TT.
Protein change: p.Leu392fs; shifts the reading frame from leucine 392.
Molecular consequence: frameshift variant. On other transcripts: intron variant (137).
Genome position (GRCh38, 1-based): chr17:43,094,355-43,094,357, CAG replaced by AA on the plus strand (CTG replaced by TT on the coding strand, the reverse complement: BRCA1 is on the minus strand). VCF-style: chr17-43094355-CAG-AA. GRCh37 (hg19) VCF-style: chr17-41246372-CAG-AA.
Other names: c.784+387_784+389delinsTT (NM_001408400.1, NM_001408392.1, NM_001407986.1 and 13 more transcripts); c.664+387_664+389delinsTT (NM_001408441.1, NM_001408437.1, NM_001408429.1 and 12 more transcripts); c.787+387_787+389delinsTT (NM_001407979.1, NM_001407977.1, NM_001407982.1 and 19 more transcripts); c.643+387_643+389delinsTT (NM_001408463.1, NM_001408470.1, NM_001408464.1 and 3 more transcripts); c.523+387_523+389delinsTT (NM_001408499.1, NM_001408498.1, NM_001408501.1 and 3 more transcripts); c.706+387_706+389delinsTT (NM_001408416.1, NM_001408413.1); c.661+387_661+389delinsTT (NM_001408434.1, NM_001408450.1, NM_001408446.1 and 6 more transcripts); c.670+1489_670+1491delinsTT (NM_001408422.1, NM_001408423.1, NM_001408420.1 and 2 more transcripts); and 40 more; short protein forms L264fs, L303fs, L321fs, L351fs, L391fs, L224fs, L304fs, L322fs.
Identifiers: ClinVar variation 4625013 (VCV004625013.1).
Genomic context (GRCh38, chr17:43,094,355, plus strand): 5'-TACATCAGCTACTTTGGCATTTGATTCAGACTCCCCATCATGTGAGTCATCAGAACCTAA[CAG>AA]TTCATCACTTCTGGAAAACCACTCATTAACTTTCTGAATGCTGCTATTTAGTGTTATCCA-3'

ClinVar aggregate classification (germline): Pathogenic (1 of 4 stars; one submission).

Conditions:
Hereditary cancer-predisposing syndrome. Also called: Neoplastic Syndromes, Hereditary; Tumor predisposition; Hereditary Cancer Syndrome; Hereditary neoplastic syndrome. Identifiers: Orphanet 140162, MedGen C0027672, MeSH D009386, MONDO:0015356.

Submission:

Ambry Genetics
Classification: Pathogenic for Hereditary cancer-predisposing syndrome. Last evaluated: 2025-09-23. Review status: criteria provided, single submitter. Criteria: Ambry Variant Classification Scheme 2023. Collection method: clinical testing. Allele origin: germline.
Comment: The c.1174_1176delCTGinsTT pathogenic mutation, located in coding exon 9 of the BRCA1 gene, results from the deletion of three nucleotides and insertion of two nucleotides causing a translational frameshift with a predicted alternate stop codon (p.L392Ffs*2). This variant is considered to be rare based on population cohorts in the Genome Aggregation Database (gnomAD). This alteration is expected to result in loss of function by premature protein truncation or nonsense-mediated mRNA decay. As such, this alteration is interpreted as a disease-causing mutation.